The following is an entry in ClinVar:

ClinVar aggregate classification (germline): Uncertain significance. Review status: criteria provided, multiple submitters, no conflicts (2 of 4 stars). 2 submissions from 2 submitters: Uncertain significance (2). Last evaluated 2025-06-30.

Conditions:
CTU2-related disorder. Also called: CTU2-related condition.

Allele frequency attached by ClinVar (database versions not stated): gnomAD 0.00007; ESP Exome Variant Server 0.00008; ExAC 0.00014; 1000 Genomes Project 30x 0.00031; 1000 Genomes Project 0.00040.
gnomAD v4.1: 129 of 1,612,638 alleles (0.008%); highest among the groups gnomAD compares: Middle Eastern, 0.033%; no homozygotes.

Submissions (2):

PreventionGenetics, part of Exact Sciences
Classification: Uncertain significance for CTU2-related condition. Last evaluated: 2025-06-30. Review status: criteria provided, single submitter. Criteria: ACMG Guidelines, 2015. Collection method: clinical testing. Allele origin: germline.
Comment: The CTU2 c.1400G>A variant is predicted to result in the amino acid substitution p.Arg467His. To our knowledge, this variant has not been reported in the literature. This variant is reported in 0.049% of alleles in individuals of East Asian descent in gnomAD. At this time, the clinical significance of this variant is uncertain due to the absence of conclusive functional and genetic evidence.

Ambry Genetics
Classification: Uncertain significance. Last evaluated: 2021-10-22. Review status: criteria provided, single submitter. Criteria: Ambry Variant Classification Scheme 2023. Collection method: clinical testing. Allele origin: germline.

NM_001012759.3(CTU2):c.1400G>A (p.Arg467His)

Gene: CTU2 (cytosolic thiouridylase subunit 2; plus strand). Cytogenetic location: 16q24.3.
Variant type: single nucleotide variant.
Coding change: c.1400G>A on transcript NM_001012759.3 (MANE Select); coding-DNA position 1400, G replaced by A.
Protein change: p.Arg467His; replaces arginine 467 with histidine.
Molecular consequence: missense variant.
Genome position (GRCh38, 1-based): chr16:88,714,907, G>A. VCF-style: chr16-88714907-G-A. GRCh37 (hg19) VCF-style: chr16-88781315-G-A.
Other names: c.1400G>A (NM_001012759.2); c.1400G>A, p.Arg467His (NM_001012762.3); c.1613G>A, p.Arg538His (NM_001318507.2); c.1139G>A, p.Arg380His (NM_001318513.2); short protein forms R380H, R467H, R538H.
Identifiers: ClinVar variation 2392055 (VCV002392055.3), dbSNP rs201378312, ClinGen allele CA8231091.